The following is an entry in ClinVar:

ClinVar aggregate classification (germline): Uncertain significance. Review status: criteria provided, multiple submitters, no conflicts (2 of 4 stars). 4 submissions from 4 submitters: Uncertain significance (3). 1 of the submissions does not count toward it. Last evaluated 2025-12-09.

Conditions:
MYH6-related disorder. Also called: MYH6-related condition; MYH6-Related Disorders.
Cardiovascular phenotype. Identifiers: MedGen CN230736.
Hypertrophic cardiomyopathy 1 (CMH1). Also called: MYH7-Related Familial Hypertrophic Cardiomyopathy; Familial hypertrophic cardiomyopathy 1. Identifiers: MedGen C3495498, MONDO:0008647, OMIM 192600.
Hypertrophic cardiomyopathy 14. Identifiers: MedGen C2750467, MONDO:0013197, OMIM 613251.
Dilated cardiomyopathy 1EE (CMD1EE). Identifiers: Orphanet 154, MedGen C2750466, MONDO:0013198, OMIM 613252.
Sick sinus syndrome 3, susceptibility to (SSS3). Identifiers: Orphanet 166282, MedGen C3279791, MONDO:0013568, OMIM 614090.
Atrial septal defect 3 (ASD3). Identifiers: Orphanet 1478, MedGen C3279790, MONDO:0013567, OMIM 614089.

Allele frequency attached by ClinVar (database versions not stated): gnomAD 0.00001; gnomAD exomes 0.00001 and 0.00002; TOPMed 0.00001; ExAC 0.00002; ESP Exome Variant Server 0.00008.
gnomAD v4.1: 34 of 1,614,080 alleles (0.0021%); highest among the groups gnomAD compares: Non-Finnish European, 0.0029%; no homozygotes.

Submissions (4):

Labcorp Genetics (formerly Invitae), Labcorp
Classification: Uncertain significance for Hypertrophic cardiomyopathy 14. Last evaluated: 2025-12-09. Review status: criteria provided, single submitter. Criteria: Invitae Variant Classification Sherloc (09022015). Collection method: clinical testing. Allele origin: germline.
Comment: This sequence change replaces glutamic acid, which is acidic and polar, with lysine, which is basic and polar, at codon 498 of the MYH6 protein (p.Glu498Lys). This variant is present in population databases (rs375142167, gnomAD 0.003%). This variant has not been reported in the literature in individuals affected with MYH6-related conditions. ClinVar contains an entry for this variant (Variation ID: 1484753). Invitae Evidence Modeling of protein sequence and biophysical properties (such as structural, functional, and spatial information, amino acid conservation, physicochemical variation, residue mobility, and thermodynamic stability) indicates that this missense variant is expected to disrupt MYH6 protein function with a positive predictive value of 80%. In summary, the available evidence is currently insufficient to determine the role of this variant in disease. Therefore, it has been classified as a Variant of Uncertain Significance.

Fulgent Genetics
Classification: Uncertain significance for Hypertrophic cardiomyopathy 1; Hypertrophic cardiomyopathy 14; Dilated cardiomyopathy 1EE; Atrial septal defect 3; Sick sinus syndrome 3, susceptibility to. Last evaluated: 2021-10-18. Review status: criteria provided, single submitter. Criteria: ACMG Guidelines, 2015. Collection method: clinical testing. Allele origin: unknown.

Ambry Genetics
Classification: Uncertain significance for Cardiovascular phenotype. Last evaluated: 2020-01-16. Review status: criteria provided, single submitter. Criteria: Ambry Variant Classification Scheme 2023. Collection method: clinical testing. Allele origin: germline.
Comment: The p.E498K variant (also known as c.1492G>A), located in coding exon 12 of the MYH6 gene, results from a G to A substitution at nucleotide position 1492. The glutamic acid at codon 498 is replaced by lysine, an amino acid with similar properties. This amino acid position is highly conserved in available vertebrate species. In addition, this alteration is predicted to be deleterious by in silico analysis. Since supporting evidence is limited at this time, the clinical significance of this alteration remains unclear.

PreventionGenetics, part of Exact Sciences
Classification: Uncertain significance for MYH6-related condition. Last evaluated: 2023-12-20. Review status: no assertion criteria provided. Collection method: clinical testing. Allele origin: germline. Not counted in ClinVar's aggregate classification.
Comment: The MYH6 c.1492G>A variant is predicted to result in the amino acid substitution p.Glu498Lys. To our knowledge, this variant has not been reported in the literature. This variant is reported in 0.0026% of alleles in individuals of European (Non-Finnish) descent in gnomAD. At this time, the clinical significance of this variant is uncertain due to the absence of conclusive functional and genetic evidence.

NM_002471.4(MYH6):c.1492G>A (p.Glu498Lys)

Gene: MYH6 (myosin heavy chain 6; minus strand). Cytogenetic location: 14q11.2.
Variant type: single nucleotide variant.
Coding change: c.1492G>A on transcript NM_002471.4 (MANE Select); coding-DNA position 1492, G replaced by A.
Protein change: p.Glu498Lys; replaces glutamic acid 498 with lysine.
Molecular consequence: missense variant.
Genome position (GRCh38, 1-based): chr14:23,400,345, C>T on the plus strand (G>A on the coding strand, the complement: MYH6 is on the minus strand). VCF-style: chr14-23400345-C-T. GRCh37 (hg19) VCF-style: chr14-23869554-C-T.
Other names: short protein forms E498K.
Identifiers: ClinVar variation 1484753 (VCV001484753.13), dbSNP rs375142167, ClinGen allele CA7115795.